The following continues an entry in ClinVar:

NM_000157.4(GBA1):c.887G>A (p.Arg296Gln)

ClinVar aggregate classification (germline): Pathogenic. Pathogenic (16).

Submissions 9 to 18 of 18:

GeneDx
Classification: Pathogenic. Last evaluated: 2021-08-04. Review status: criteria provided, single submitter. Criteria: GeneDx Variant Classification Process June 2021. Collection method: clinical testing. Allele origin: germline. Affected: yes.
Comment: Identified in the heterozygous state in patients with Parkinson disease (Neumann et al., 2009; Choi et al., 2012); In silico analysis supports that this missense variant has a deleterious effect on protein structure/function; Previously reported as R257Q due to the use of alternate nomenclature; This variant is associated with the following publications: (PMID: 33176831, 27312774, 12791040, 21704274, 10796875, 19286695, 17395504, 21384230, 22772462, 10685993, 8790604, 22387070, 26709268, 29091352, 28506293, 30764785, 27717005)

Athena Diagnostics
Classification: Pathogenic. Last evaluated: 2021-05-14. Review status: criteria provided, single submitter. Criteria: Athena Diagnostics Criteria. Collection method: clinical testing. Allele origin: unknown.
Comment: In multiple individuals, this variant has been seen with a single recessive pathogenic variant in the same gene, suggesting this variant may also be pathogenic (PMID: 33176831, 17395504, 21384230, 28506293, 20729108, 21704274, 32822875, 8790604, 32547927, 30764785, 10685993, 25435509). This variant segregates with disease with disease in multiple families (PMID: 8301495, 29091352). The frequency of this variant in the general population is consistent with pathogenicity. Computational tools yielded predictions that this amino acid change may be damaging to the protein.This observation is not an independent occurrence and has been identified in the same individual by RCIGM, the other laboratory participating in the GEMINI study.

Fulgent Genetics
Classification: Pathogenic for Parkinson disease, late-onset. Last evaluated: 2021-05-03. Review status: criteria provided, single submitter. Criteria: ACMG Guidelines, 2015. Collection method: clinical testing. Allele origin: germline. Affected: yes.

Broad Center for Mendelian Genomics, Broad Institute of MIT and Harvard
Classification: Pathogenic for Gaucher disease. Last evaluated: 2020-01-14. Review status: criteria provided, single submitter. Criteria: ACMG Guidelines, 2015. Collection method: curation. Allele origin: germline. Inheritance: Autosomal recessive inheritance.
Comment: The p.Arg296Gln variant in GBA has been reported in at least 15 individuals with Gaucher disease (PMID: 17395504, 20729108, 21384230, 25435509, 29091352, 30764785, 21704274) and has been identified in 0.008% (2/24970) of African chromosomes and 0.006% (8/128908) of European (non-Finnish) chromosomes by the Genome Aggregation Database (gnomAD; dbSNP rs78973108). Although this variant has been seen in the general population, its frequency is low enough to be consistent with a recessive carrier frequency. This variant has also been reported in ClinVar (VariationID: 4328) as Pathogenic by EGL Genetic Diagnostics, GeneDx, Fulgent Genetics, OMIM, and Integrated Genetics. In vitro functional studies demonstrating nearly undetectable levels of beta-glucosidase in patient fibroblasts provide some evidence that the p.Arg296Gln variant may impact protein function (PMID: 29091352). However, these types of assays may not accurately represent biological function. Computational prediction tools and conservation analyses suggest that this variant may impact the protein, though this information is not predictive enough to determine pathogenicity. The presence of this variant in one affected homozygote and in combination with reported pathogenic variants in 11 individuals with Gaucher disease increases the likelihood that the p.Arg296Gln variant is pathogenic (VariationID: 4290, 4321, 4296, 93459, 4301, 4288 PMID: 17395504, 20729108, 21384230, 25435509, 29091352). In summary, this variant meets criteria to be classified as pathogenic for Gaucher disease in an autosomal recessive manner based on the presence of the variant in combination with other pathogenic variants in many individuals, in vitro functional studies, and computational evidence. ACMG/AMP Criteria applied: PM3_very-strong, PM2, PS3_moderate, PP3 (Richards 2015).

Fulgent Genetics
Classification: Pathogenic for Lewy body dementia; Parkinson disease, late-onset; Gaucher disease type I; Gaucher disease type II; Gaucher disease type III; Gaucher disease-ophthalmoplegia-cardiovascular calcification syndrome; Gaucher disease perinatal lethal. Last evaluated: 2018-10-31. Review status: criteria provided, single submitter. Criteria: ACMG Guidelines, 2015. Collection method: clinical testing. Allele origin: unknown.

Women's Health and Genetics/Laboratory Corporation of America, LabCorp
Classification: Pathogenic for Gaucher disease. Last evaluated: 2018-09-25. Review status: criteria provided, single submitter. Criteria: LabCorp Variant Classification Summary - May 2015. Collection method: clinical testing. Allele origin: germline.
Comment: Variant summary: GBA c.887G>A (p.Arg296Gln) results in a conservative amino acid change located in the glycosyl hydrolase family 30, TIM-barrel domain (IPR033453) of the encoded protein sequence. Four of five in-silico tools predict a damaging effect of the variant on protein function. The variant allele was found at a frequency of 3.2e-05 in 276952 control chromosomes (gnomAD). c.887G>A has been reported in the literature in multiple individuals affected with Gaucher Disease (Alfonso 2007, Erdos 2007, Lee 2012, Lopez 2016). These data indicate that the variant is very likely to be associated with disease. At least one publication reports experimental evidence evaluating an impact on protein function. The most pronounced variant effect results in 10%-<30% of normal activity (Lee 2012). Two ClinVar submissions from clinical diagnostic laboratories (evaluation after 2014) cited the variant as pathogenic. Based on the evidence outlined above, the variant was classified as pathogenic.

Eurofins Ntd Llc (ga)
Classification: Pathogenic. Last evaluated: 2015-09-11. Review status: criteria provided, single submitter. Criteria: EGL Classification Definitions. Collection method: clinical testing. Allele origin: germline. Observed: 9 variant alleles, 9 heterozygotes.

Baylor Genetics
Classification: Pathogenic for Gaucher disease type I; Gaucher disease type II; Gaucher disease type III; Gaucher disease-ophthalmoplegia-cardiovascular calcification syndrome. Review status: criteria provided, single submitter. Criteria: ACMG Guidelines, 2015. Collection method: clinical testing. Allele origin: germline.

OMIM
Classification: Pathogenic for GAUCHER DISEASE, PERINATAL LETHAL. Last evaluated: 2000-03-01. Review status: no assertion criteria provided. Collection method: literature only. Allele origin: germline. Not counted in ClinVar's aggregate classification.

GeneReviews
No classification provided. Condition: Gaucher disease. Review status: no classification provided. Collection method: literature only. Allele origin: germline. Not counted in ClinVar's aggregate classification.

Literature cited by the submitters: PubMed 8790604 (cited by Labcorp Genetics (formerly Invitae), Labcorp); PubMed 22387070 (cited by Labcorp Genetics (formerly Invitae), Labcorp); PubMed 26709268 (cited by Labcorp Genetics (formerly Invitae), Labcorp); PubMed 27717005 (cited by Labcorp Genetics (formerly Invitae), Labcorp); PubMed 29091352 (cited by 3 submitters); PubMed 33176831 (cited by Labcorp Genetics (formerly Invitae), Labcorp and Victorian Clinical Genetics Services, Murdoch Childrens Research Institute); PubMed 37291213 (cited by Labcorp Genetics (formerly Invitae), Labcorp); PubMed 34134921 (cited by Natera, Inc.); PubMed 17395504 (cited by 3 submitters); PubMed 20729108 (cited by Illumina Laboratory Services, Illumina and Broad Center for Mendelian Genomics, Broad Institute of MIT and Harvard); PubMed 25435509 (cited by Illumina Laboratory Services, Illumina and Broad Center for Mendelian Genomics, Broad Institute of MIT and Harvard); PubMed 31010158 (cited by Victorian Clinical Genetics Services, Murdoch Childrens Research Institute); PubMed 21704274 (cited by Broad Center for Mendelian Genomics, Broad Institute of MIT and Harvard); PubMed 30764785 (cited by Broad Center for Mendelian Genomics, Broad Institute of MIT and Harvard); PubMed 21384230 (cited by Broad Center for Mendelian Genomics, Broad Institute of MIT and Harvard); PubMed 27123476 (cited by Women's Health and Genetics/Laboratory Corporation of America, LabCorp); PubMed 22375149 (cited by Women's Health and Genetics/Laboratory Corporation of America, LabCorp); PubMed 10685993 (cited by OMIM and GeneReviews).